The following is an entry in ClinVar:

NM_004329.3(BMPR1A):c.568A>C (p.Asn190His)

Gene: BMPR1A (bone morphogenetic protein receptor type 1A; plus strand). Cytogenetic location: 10q23.2.
Variant type: single nucleotide variant.
Coding change: c.568A>C on transcript NM_004329.3 (MANE Select); coding-DNA position 568, A replaced by C.
Protein change: p.Asn190His; replaces asparagine 190 with histidine.
Molecular consequence: missense variant.
Genome position (GRCh38, 1-based): chr10:86,912,277, A>C. VCF-style: chr10-86912277-A-C. GRCh37 (hg19) VCF-style: chr10-88672034-A-C.
Other names: short protein forms N190H.
Identifiers: ClinVar variation 1019559 (VCV001019559.13), dbSNP rs771444196, ClinGen allele CA377454416.

ClinVar aggregate classification (germline): Uncertain significance. Review status: criteria provided, multiple submitters, no conflicts (2 of 4 stars). 4 submissions from 4 submitters: Uncertain significance (4). Last evaluated 2024-08-13.

Conditions:
Juvenile polyposis syndrome (JPS). Identifiers: Orphanet 2929, MedGen C0345893, MONDO:0017380, OMIM 174900.
Hereditary cancer-predisposing syndrome. Also called: Tumor predisposition; Neoplastic Syndromes, Hereditary; Hereditary neoplastic syndrome; Hereditary Cancer Syndrome. Identifiers: Orphanet 140162, MedGen C0027672, MeSH D009386, MONDO:0015356.

Submissions (4):

All of Us Research Program, National Institutes of Health
Classification: Uncertain significance for Juvenile polyposis syndrome. Last evaluated: 2024-08-13. Review status: criteria provided, single submitter. Criteria: ACMG Guidelines, 2015. Collection method: clinical testing. Allele origin: germline. Inheritance: Autosomal dominant inheritance. Observed: 1 variant allele, 1 heterozygote.
Comment: This missense variant replaces asparagine with histidine at codon 190 of the BMPR1A protein. Computational prediction suggests that this variant may not impact protein structure and function (internally defined REVEL score threshold <= 0.5, PMID: 27666373). To our knowledge, functional studies have not been reported for this variant. This variant has not been reported in individuals affected with BMPR1A-related disorders in the literature. This variant has not been identified in the general population by the Genome Aggregation Database (gnomAD). The available evidence is insufficient to determine the role of this variant in disease conclusively. Therefore, this variant is classified as a Variant of Uncertain Significance.

This study involves interpretation of variants in research participants for the purpose of population health screening. Participant phenotype was not available at the time of variant classification. Additional details can be found in publication PMID: 35346344, PMCID: PMC8962531

Labcorp Genetics (formerly Invitae), Labcorp
Classification: Uncertain significance for Juvenile polyposis syndrome. Last evaluated: 2023-11-14. Review status: criteria provided, single submitter. Criteria: Invitae Variant Classification Sherloc (09022015). Collection method: clinical testing. Allele origin: germline.
Comment: This sequence change replaces asparagine, which is neutral and polar, with histidine, which is basic and polar, at codon 190 of the BMPR1A protein (p.Asn190His). This variant is not present in population databases (gnomAD no frequency). This variant has not been reported in the literature in individuals affected with BMPR1A-related conditions. ClinVar contains an entry for this variant (Variation ID: 1019559). Advanced modeling of protein sequence and biophysical properties (such as structural, functional, and spatial information, amino acid conservation, physicochemical variation, residue mobility, and thermodynamic stability) performed at Invitae indicates that this missense variant is not expected to disrupt BMPR1A protein function with a negative predictive value of 80%. In summary, the available evidence is currently insufficient to determine the role of this variant in disease. Therefore, it has been classified as a Variant of Uncertain Significance.

GeneDx
Classification: Uncertain significance. Last evaluated: 2023-08-02. Review status: criteria provided, single submitter. Criteria: GeneDx Variant Classification Process June 2021. Collection method: clinical testing. Allele origin: germline.
Comment: Not observed at significant frequency in large population cohorts (gnomAD); In silico analysis supports that this missense variant does not alter protein structure/function; Has not been previously published as pathogenic or benign to our knowledge

Ambry Genetics
Classification: Uncertain significance for Hereditary cancer-predisposing syndrome. Last evaluated: 2021-07-03. Review status: criteria provided, single submitter. Criteria: Ambry Variant Classification Scheme 2023. Collection method: clinical testing. Allele origin: germline.
Comment: The p.N190H variant (also known as c.568A>C), located in coding exon 6 of the BMPR1A gene, results from an A to C substitution at nucleotide position 568. The asparagine at codon 190 is replaced by histidine, an amino acid with similar properties. This amino acid position is well conserved in available vertebrate species. In addition, this alteration is predicted to be tolerated by in silico analysis. Since supporting evidence is limited at this time, the clinical significance of this alteration remains unclear.